The following is an entry in ClinVar:

ClinVar aggregate classification (germline): Uncertain significance (1 of 4 stars; one submission).

Submission:

Women's Health and Genetics/Laboratory Corporation of America, LabCorp
Classification: Uncertain significance. Last evaluated: 2026-06-19. Review status: criteria provided, single submitter. Criteria: LabCorp Variant Classification Summary - May 2015. Collection method: clinical testing. Allele origin: germline.
Comment: Variant summary: KCNQ5 c.124G>C (p.Gly42Arg) results in a non-conservative amino acid change in the encoded protein sequence. Algorithms developed to predict the effect of missense changes on protein structure and function all suggest that this variant is likely to be disruptive. The variant was absent in 27322 control chromosomes. The available data on variant occurrences in the general population are insufficient to allow any conclusion about variant significance. To our knowledge, no occurrence of c.124G>C in individuals affected with KCNQ5-related conditions and no experimental evidence demonstrating its impact on protein function have been reported. No submitters have cited clinical-significance assessments for this variant to ClinVar. Based on the evidence outlined above, the variant was classified as uncertain significance.

NM_019842.4(KCNQ5):c.124G>C (p.Gly42Arg)

Genes: KCNQ5-DT (KCNQ5 divergent transcript; minus strand), KCNQ5 (potassium voltage-gated channel subfamily Q member 5; plus strand), LOC129996711 (ATAC-STARR-seq lymphoblastoid silent region 17329; plus strand). Cytogenetic location: 6q13.
Variant type: single nucleotide variant.
Coding change: c.124G>C on transcript NM_019842.4 (MANE Select); coding-DNA position 124, G replaced by C.
Protein change: p.Gly42Arg; replaces glycine 42 with arginine.
Molecular consequence: missense variant.
Genome position (GRCh38, 1-based): chr6:72,622,313, G>C. VCF-style: chr6-72622313-G-C. GRCh37 (hg19) VCF-style: chr6-73332041-G-C.
Other names: c.124G>C, p.Gly42Arg (NM_001160130.2, NM_001160132.2, NM_001160133.2 and 1 more transcripts); short protein forms G42R.
Identifiers: ClinVar variation 4887796 (VCV004887796.1).
Genomic context (GRCh38, chr6:72,622,313, plus strand): 5'-GCAGCGGCGGCGGCGGCGGGCGGGGGGCGCTTGGGCAGCGGCATGAAGGATGTGGAGTCC[G>C]GCCGGGGCAGGGTGCTGCTGAACTCGGCAGCCGCCAGGGGCGACGGCCTGCTACTGCTGG-3'
Protein context (NP_062816.2, residues 32-52): LGSGMKDVES[Gly42Arg]RGRVLLNSAA